The following is an entry in ClinVar:

ClinVar aggregate classification (germline): Pathogenic (0 of 4 stars; one submission).

Conditions:
Fanconi anemia complementation group A (FANCA). Also called: Fanconi anemia, group A; FANCA-Related Fanconi Anemia. Identifiers: Orphanet 84, MedGen C3469521, MONDO:0009215, OMIM 227650.

Submission:

Leiden Open Variation Database
Classification: Pathogenic for Fanconi anemia complementation group A. Last evaluated: 2020-02-28. Review status: no assertion criteria provided. Collection method: curation. Allele origin: germline. Affected: yes.
Comment: Curator: Arleen D. Auerbach. Submitter to LOVD: Arleen D. Auerbach.

NM_000135.4(FANCA):c.3926_3929del (p.Thr1309fs)

Genes: ZNF276 (zinc finger protein 276; plus strand), FANCA (FA complementation group A; minus strand). Cytogenetic location: 16q24.3.
Variant type: Deletion.
Coding change: c.3926_3929del on transcript NM_000135.4 (MANE Select); coding-DNA positions 3926 to 3929, 4 bases deleted (CAGA; older notation c.3926_3929delCAGA).
Protein change: p.Thr1309fs; shifts the reading frame from threonine 1309.
Molecular consequence: frameshift variant. On other transcripts: 3 prime UTR variant (2), non-coding transcript variant (4).
Genome position (GRCh38, 1-based): chr16:89,739,999-89,740,002, TCTG deleted on the plus strand (CAGA on the coding strand, the reverse complement: FANCA is on the minus strand); deleting any 4 consecutive bases within chr16:89,739,999-89,740,004 gives the same sequence; the c. name uses the placement nearest the transcript's 3' end. VCF-style (leftmost placement, unchanged base first): chr16-89739998-CTCTG-C. GRCh37 (hg19) VCF-style: chr16-89806406-CTCTG-C.
Other names: c.3924_3927delGACA, p.Thr1309Argfs (NM_000135.2); c.3926_3929del, p.Thr1309fs (NM_001286167.3); c.*1755_*1758del (NM_001113525.2, NM_152287.4); short protein forms T1309fs.
Identifiers: ClinVar variation 974358 (VCV000974358.1), dbSNP rs2062087915, ClinGen allele CA1139664950.